The following is an entry in ClinVar:

NM_000173.7(GP1BA):c.92T>A (p.Val31Glu)

Gene: GP1BA (glycoprotein Ib platelet subunit alpha; plus strand). Cytogenetic location: 17p13.2.
Variant type: single nucleotide variant.
Coding change: c.92T>A on transcript NM_000173.7 (MANE Select); coding-DNA position 92, T replaced by A.
Protein change: p.Val31Glu; replaces valine 31 with glutamic acid.
Molecular consequence: missense variant.
Genome position (GRCh38, 1-based): chr17:4,932,696, T>A. VCF-style: chr17-4932696-T-A. GRCh37 (hg19) VCF-style: chr17-4835991-T-A.
Other names: short protein forms V31E.
Identifiers: ClinVar variation 2572118 (VCV002572118.3), dbSNP rs201827537, ClinGen allele CA397314305.
Genomic context (GRCh38, chr17:4,932,696, plus strand): 5'-CAAGCCCCTTACACCCCCACCCCATCTGTGAGGTCTCCAAAGTGGCCAGCCACCTAGAAG[T>A]GAACTGTGACAAGAGGAATCTGACAGCGCTGCCTCCAGACCTGCCGAAAGACACAACCAT-3'
Protein context (NP_000164.5, residues 21-41): EVSKVASHLE[Val31Glu]NCDKRNLTAL

ClinVar aggregate classification (germline): Uncertain significance. Review status: criteria provided, multiple submitters, no conflicts (2 of 4 stars). 2 submissions from 2 submitters: Uncertain significance (2). Last evaluated 2026-06-16.

Conditions:
Bernard-Soulier syndrome, type A2, autosomal dominant (BSSA2). Also called: Bernard-Soulier syndrome, type A2 (dominant). Identifiers: Orphanet 274, MedGen C3277076, MONDO:0007930, OMIM 153670.
GP1BA-related disorder. Also called: GP1BA-related condition.

Submissions (2):

PreventionGenetics, part of Exact Sciences
Classification: Uncertain significance for GP1BA-related condition. Last evaluated: 2026-06-16. Review status: criteria provided, single submitter. Criteria: ACMG Guidelines, 2015. Collection method: clinical testing. Allele origin: germline.
Comment: The GP1BA c.92T>A variant is predicted to result in the amino acid substitution p.Val31Glu. This variant is absent from one large population database (gnomAD), indicating this variant is rare. Although we suspect that this variant may be pathogenic, the clinical significance of the p.Val31Glu variant is currently classified as uncertain due to the absence of conclusive functional and genetic evidence.

ISTH-SSC Genomics in Thrombosis and Hemostasis, KU Leuven, Center for Molecular and Vascular Biology
Classification: Uncertain significance for Bernard-Soulier syndrome, type A2, autosomal dominant. Review status: criteria provided, single submitter. Criteria: ACMG Guidelines, 2015. Collection method: clinical testing. Allele origin: germline. Affected: yes. Observed: 1 heterozygote.
Comment: Submitted to the GoldVariant database by Dr Marie-Christine Morel-Kopp; Northern Blood Research Centre, Sydney, Australia